The following is an entry in ClinVar:

ClinVar aggregate classification (germline): Uncertain significance (1 of 4 stars; one submission).

Submission:

Labcorp Genetics (formerly Invitae), Labcorp
Classification: Uncertain significance. Last evaluated: 2022-08-20. Review status: criteria provided, single submitter. Criteria: Invitae Variant Classification Sherloc (09022015). Collection method: clinical testing. Allele origin: germline.
Comment: In summary, the available evidence is currently insufficient to determine the role of this variant in disease. Therefore, it has been classified as a Variant of Uncertain Significance. Algorithms developed to predict the effect of missense changes on protein structure and function are either unavailable or do not agree on the potential impact of this missense change (SIFT: "Deleterious"; PolyPhen-2: "Probably Damaging"; Align-GVGD: "Class C0"). This variant has not been reported in the literature in individuals affected with EMC1-related conditions. This variant is not present in population databases (gnomAD no frequency). This sequence change replaces glutamic acid, which is acidic and polar, with glycine, which is neutral and non-polar, at codon 888 of the EMC1 protein (p.Glu888Gly).

NM_015047.3(EMC1):c.2663A>G (p.Glu888Gly)

Genes: EMC1 (ER membrane protein complex subunit 1; minus strand), EMC1-AS1 (EMC1 antisense RNA 1; plus strand). Cytogenetic location: 1p36.13.
Variant type: single nucleotide variant.
Coding change: c.2663A>G on transcript NM_015047.3 (MANE Select); coding-DNA position 2663, A replaced by G.
Protein change: p.Glu888Gly; replaces glutamic acid 888 with glycine.
Molecular consequence: missense variant.
Genome position (GRCh38, 1-based): chr1:19,220,773, T>C on the plus strand (A>G on the coding strand, the complement: EMC1 is on the minus strand). VCF-style: chr1-19220773-T-C. GRCh37 (hg19) VCF-style: chr1-19547267-T-C.
Other names: c.2660A>G, p.Glu887Gly (NM_001271427.2, NM_001271428.2); c.2597A>G, p.Glu866Gly (NM_001271429.2); c.2672A>G, p.Glu891Gly (NM_001375820.1); c.2669A>G, p.Glu890Gly (NM_001375821.1); short protein forms E866G, E887G, E888G, E890G, E891G.
Identifiers: ClinVar variation 1717080 (VCV001717080.5), dbSNP rs2536649084, ClinGen allele CA338751569.